The following is an entry in ClinVar:

NM_006080.3(SEMA3A):c.2304C>T (p.Pro768=)

Gene: SEMA3A (semaphorin 3A; minus strand). Cytogenetic location: 7q21.11.
Variant type: single nucleotide variant.
Coding change: c.2304C>T on transcript NM_006080.3 (MANE Select); coding-DNA position 2304, C replaced by T.
Protein change: p.Pro768=; no amino-acid change (proline 768 retained).
Molecular consequence: synonymous variant.
Genome position (GRCh38, 1-based): chr7:83,961,383, G>A on the plus strand (C>T on the coding strand, the complement: SEMA3A is on the minus strand). VCF-style: chr7-83961383-G-A. GRCh37 (hg19) VCF-style: chr7-83590699-G-A.
Identifiers: ClinVar variation 3357760 (VCV003357760.1).

ClinVar aggregate classification (germline): Likely benign (0 of 4 stars; one submission).

Conditions:
SEMA3A-related disorder. Also called: SEMA3A-related condition.

Submission:

PreventionGenetics, part of Exact Sciences
Classification: Likely benign for SEMA3A-related condition. Last evaluated: 2022-04-08. Review status: no assertion criteria provided. Collection method: clinical testing. Allele origin: germline.
Comment: This variant is classified as likely benign based on ACMG/AMP sequence variant interpretation guidelines (Richards et al. 2015 PMID: 25741868, with internal and published modifications).